The following is an entry in ClinVar:

ClinVar aggregate classification (germline): Conflicting classifications of pathogenicity. Review status: criteria provided, conflicting classifications (1 of 4 stars). 15 submissions from 11 submitters: Uncertain significance (1); Benign (8); Likely benign (6). Last evaluated 2026-09-01.

Conditions:
Fetal akinesia, respiratory insufficiency, microcephaly, polymicrogyria, and dysmorphic facies. Identifiers: MedGen C5562015, MONDO:0859204, OMIM 619602.
Developmental and epileptic encephalopathy 98. Identifiers: MedGen C5562017, MONDO:0030472, OMIM 619605.
Inborn genetic diseases. Identifiers: MedGen C0950123, MeSH D030342.
Familial hemiplegic migraine. Identifiers: MedGen C0338484, MONDO:0000700.
Migraine, familial hemiplegic, 2. Identifiers: Orphanet 569, MedGen C1865322, MONDO:0011232, OMIM 602481.
Alternating hemiplegia of childhood 1 (AHC1). Identifiers: Orphanet 2131, MedGen C3549447, MONDO:0007087, OMIM 104290.

Allele frequency attached by ClinVar (database versions not stated): gnomAD exomes 0.00311 and 0.00170; 1000 Genomes Project 0.00040; 1000 Genomes Project 30x 0.00062; gnomAD 0.00210 and 0.00211; ESP Exome Variant Server 0.00216; TOPMed 0.00226; ExAC 0.00236.
gnomAD v4.1: 4,842 of 1,596,846 alleles (0.3%); highest among the groups gnomAD compares: Non-Finnish European, 0.38%; 10 homozygotes.

Submissions (15):

CeGaT Center for Human Genetics Tuebingen
Classification: Likely benign. Last evaluated: 2026-09-01. Review status: criteria provided, single submitter. Criteria: CeGaT Center For Human Genetics Tuebingen Variant Classification Criteria Version 2. Collection method: clinical testing. Allele origin: germline. Affected: yes. Observed: 17 variant alleles.
Comment: ATP1A2: BS3:Supporting, BS2

Labcorp Genetics (formerly Invitae), Labcorp
Classification: Likely benign for Familial hemiplegic migraine. Last evaluated: 2026-02-02. Review status: criteria provided, single submitter. Criteria: Invitae Variant Classification Sherloc (09022015). Collection method: clinical testing. Allele origin: germline.

Revvity Omics, Revvity
Classification: Uncertain significance. Last evaluated: 2024-05-23. Review status: criteria provided, single submitter. Criteria: ACMG Guidelines, 2015. Collection method: clinical testing. Allele origin: germline.

Mayo Clinic Laboratories, Mayo Clinic
Classification: Benign. Last evaluated: 2024-04-24. Review status: criteria provided, single submitter. Criteria: ACMG Guidelines, 2015. Collection method: clinical testing. Allele origin: germline. Observed: 4 variant alleles.
Comment: BS1, BS2, BS3

Genome-Nilou Lab
Classification: Benign for Alternating hemiplegia of childhood 1. Last evaluated: 2021-12-05. Review status: criteria provided, single submitter. Criteria: ACMG Guidelines, 2015. Collection method: clinical testing. Allele origin: germline. Affected: no.

Genome-Nilou Lab
Classification: Benign for Developmental and epileptic encephalopathy 98. Last evaluated: 2021-12-05. Review status: criteria provided, single submitter. Criteria: ACMG Guidelines, 2015. Collection method: clinical testing. Allele origin: germline. Affected: no.

Genome-Nilou Lab
Classification: Benign for Fetal akinesia, respiratory insufficiency, microcephaly, polymicrogyria, and dysmorphic facies. Last evaluated: 2021-12-05. Review status: criteria provided, single submitter. Criteria: ACMG Guidelines, 2015. Collection method: clinical testing. Allele origin: germline. Affected: no.

Genome-Nilou Lab
Classification: Benign for Migraine, familial hemiplegic, 2. Last evaluated: 2021-12-05. Review status: criteria provided, single submitter. Criteria: ACMG Guidelines, 2015. Collection method: clinical testing. Allele origin: germline. Affected: no.

GeneDx
Classification: Benign. Last evaluated: 2019-12-30. Review status: criteria provided, single submitter. Criteria: GeneDx Variant Classification Process June 2021. Collection method: clinical testing. Allele origin: germline. Affected: yes.
Comment: This variant is associated with the following publications: (PMID: 18957371, 27445835, 18513263, 23954377, 20981092, 17877748, 21533730, 27226003)

Ambry Genetics
Classification: Benign for Inborn genetic diseases. Last evaluated: 2017-11-16. Review status: criteria provided, single submitter. Criteria: Ambry Variant Classification Scheme 2023. Collection method: clinical testing. Allele origin: germline.

Illumina Laboratory Services, Illumina
Classification: Likely benign for Migraine, familial hemiplegic, 2. Last evaluated: 2017-04-27. Review status: criteria provided, single submitter. Criteria: ICSL Variant Classification Criteria 13 December 2019. Collection method: clinical testing. Allele origin: germline.
Comment: This variant was observed as part of a predisposition screen in an ostensibly healthy population. A literature search was performed for the gene, cDNA change, and amino acid change (where applicable). No publications were found based on this search. Allele frequency data from public databases allowed determination this variant is unlikely to cause disease. Therefore, this variant is classified as likely benign.

Illumina Laboratory Services, Illumina
Classification: Likely benign for Alternating hemiplegia of childhood 1. Last evaluated: 2017-04-27. Review status: criteria provided, single submitter. Criteria: ICSL Variant Classification Criteria 13 December 2019. Collection method: clinical testing. Allele origin: germline.
Comment: the same text as in the submission from Illumina Laboratory Services, Illumina above.

Center for Pediatric Genomic Medicine, Children's Mercy Hospital and Clinics
Classification: Likely benign. Last evaluated: 2016-11-07. Review status: criteria provided, single submitter. Criteria: ACMG Guidelines, 2015. Collection method: clinical testing. Allele origin: germline.
ClinVar note: Converted during submission from Likely Benign to Likely benign.

Eurofins Ntd Llc (ga)
Classification: Benign. Last evaluated: 2015-12-09. Review status: criteria provided, single submitter. Criteria: EGL Classification Definitions 2015. Collection method: clinical testing. Allele origin: germline. Observed: 1 variant allele, 1 heterozygote.

Breakthrough Genomics
Classification: Likely benign. Review status: criteria provided, single submitter. Criteria: ACMG Guidelines, 2015. Collection method: not provided. Allele origin: germline. Inheritance: Autosomal recessive inheritance. Affected: yes.

Literature cited by the submitters: PubMed 17877748 (cited by Mayo Clinic Laboratories, Mayo Clinic); PubMed 18513263 (cited by Mayo Clinic Laboratories, Mayo Clinic); PubMed 21533730 (cited by Mayo Clinic Laboratories, Mayo Clinic); PubMed 23954377 (cited by Mayo Clinic Laboratories, Mayo Clinic).

NM_000702.4(ATP1A2):c.25T>A (p.Tyr9Asn)

Gene: ATP1A2 (ATPase Na+/K+ transporting subunit alpha 2; plus strand). Cytogenetic location: 1q23.2.
Variant type: single nucleotide variant.
Coding change: c.25T>A on transcript NM_000702.4 (MANE Select); coding-DNA position 25, T replaced by A.
Protein change: p.Tyr9Asn; replaces tyrosine 9 with asparagine.
Molecular consequence: missense variant.
Genome position (GRCh38, 1-based): chr1:160,120,918, T>A. VCF-style: chr1-160120918-T-A. GRCh37 (hg19) VCF-style: chr1-160090708-T-A.
Other names: p.Y9N:TAC>AAC; p.Tyr9Asn; short protein forms Y9N.
Identifiers: ClinVar variation 204881 (VCV000204881.59), dbSNP rs55858252, ClinGen allele CA313264.